The following is an entry in ClinVar:

NM_001148.6(ANK2):c.7135A>G (p.Thr2379Ala)

Genes: ANK2 (ankyrin 2; plus strand), LOC126807137 (CDK7 strongly-dependent group 2 enhancer GRCh37_chr4:114276560-114277759; plus strand). Cytogenetic location: 4q26.
Variant type: single nucleotide variant.
Coding change: c.7135A>G on transcript NM_001148.6 (MANE Select); coding-DNA position 7135, A replaced by G.
Protein change: p.Thr2379Ala; replaces threonine 2379 with alanine.
Molecular consequence: missense variant. On other transcripts: intron variant (68).
Genome position (GRCh38, 1-based): chr4:113,355,753, A>G. VCF-style: chr4-113355753-A-G. GRCh37 (hg19) VCF-style: chr4-114276909-A-G.
Other names: c.1991-5070A>G (NM_001354282.2, NM_001354279.2); c.1976-5070A>G (NM_001354280.2); c.1955-5070A>G (NM_001354278.2, NM_001354281.2); c.827-5070A>G (NM_001386167.1); c.4505-5070A>G (NM_001354237.2); c.4406-5070A>G (NM_001354230.2); c.4469-5070A>G (NM_001354231.2, NM_001354242.2); c.4472-5070A>G (NM_001386144.1, NM_001354240.2, NM_001354241.2); and 35 more; short protein forms T1179A, T2301A, T2379A, T2418A, T2426A.
Identifiers: ClinVar variation 3613488 (VCV003613488.2).
Genomic context (GRCh38, chr4:113,355,753, plus strand): 5'-TCAGCCCACAAGACACAAACTGATAGTGAGGTTCAAGAATCCACAGCCACCTCAGACGAG[A>G]CAAAGGCCTTGCCGCTGCCTGAGGCTTCTGTAAAGACAGATACAGGAACTGAATCAAAAC-3'
Protein context (NP_001139.3, residues 2369-2389): VQESTATSDE[Thr2379Ala]KALPLPEASV

ClinVar aggregate classification (germline): Uncertain significance (1 of 4 stars; one submission).

Conditions:
Long QT syndrome (LQTS). Identifiers: MedGen C0023976, MeSH D008133, MONDO:0002442. Disease mechanism: loss of function. Inheritance: Various modes of inheritance.

gnomAD v4.1: 6 of 1,614,134 alleles (0.00037%); highest among the groups gnomAD compares: South Asian, 0.0055%; no homozygotes.

Submission:

Labcorp Genetics (formerly Invitae), Labcorp
Classification: Uncertain significance for Long QT syndrome. Last evaluated: 2024-07-27. Review status: criteria provided, single submitter. Criteria: Invitae Variant Classification Sherloc (09022015). Collection method: clinical testing. Allele origin: germline.
Comment: This sequence change replaces threonine, which is neutral and polar, with alanine, which is neutral and non-polar, at codon 2379 of the ANK2 protein (p.Thr2379Ala). This variant is present in population databases (no rsID available, gnomAD 0.006%). This variant has not been reported in the literature in individuals affected with ANK2-related conditions. An algorithm developed to predict the effect of missense changes on protein structure and function outputs the following: PolyPhen-2: "Benign". The alanine amino acid residue is found in multiple mammalian species, which suggests that this missense change does not adversely affect protein function. In summary, the available evidence is currently insufficient to determine the role of this variant in disease. Therefore, it has been classified as a Variant of Uncertain Significance.